The following is an entry in ClinVar:

ClinVar aggregate classification (germline): Uncertain significance (1 of 4 stars; one submission).

Conditions:
Developmental and epileptic encephalopathy, 34 (DEE34). Also called: Early infantile epileptic encephalopathy 34; SLC12A5-Related Epilepsy of Infancy with Migrating Focal Seizures. Identifiers: Orphanet 293181, MedGen C4225257, MONDO:0014718, OMIM 616645.

gnomAD v4.1: 1 of 1,612,304 alleles (0.000062%); highest among the groups gnomAD compares: Non-Finnish European, 0.000085%; no homozygotes.

Submission:

Labcorp Genetics (formerly Invitae), Labcorp
Classification: Uncertain significance for Early infantile epileptic encephalopathy 34. Last evaluated: 2019-05-01. Review status: criteria provided, single submitter. Criteria: Invitae Variant Classification Sherloc (09022015). Collection method: clinical testing. Allele origin: germline.
Comment: This sequence change replaces arginine with leucine at codon 96 of the SLC12A5 protein (p.Arg96Leu). The arginine residue is moderately conserved and there is a moderate physicochemical difference between arginine and leucine. This variant is not present in population databases (ExAC no frequency). This variant has not been reported in the literature in individuals with SLC12A5-related conditions. Algorithms developed to predict the effect of missense changes on protein structure and function are either unavailable or do not agree on the potential impact of this missense change (SIFT: "Deleterious"; PolyPhen-2: "Benign"; Align-GVGD: "Class C0"). In summary, the available evidence is currently insufficient to determine the role of this variant in disease. Therefore, it has been classified as a Variant of Uncertain Significance.

NM_020708.5(SLC12A5):c.287G>T (p.Arg96Leu)

Gene: SLC12A5 (solute carrier family 12 member 5; plus strand). Cytogenetic location: 20q13.12.
Variant type: single nucleotide variant.
Coding change: c.287G>T on transcript NM_020708.5 (MANE Select); coding-DNA position 287, G replaced by T.
Protein change: p.Arg96Leu; replaces arginine 96 with leucine.
Molecular consequence: missense variant.
Genome position (GRCh38, 1-based): chr20:46,035,784, G>T. VCF-style: chr20-46035784-G-T. GRCh37 (hg19) VCF-style: chr20-44664423-G-T.
Other names: c.356G>T, p.Arg119Leu (NM_001134771.2); short protein forms R119L, R96L.
Identifiers: ClinVar variation 949055 (VCV000949055.1), dbSNP rs756873079, ClinGen allele CA409187485.